The following is an entry in ClinVar:

ClinVar aggregate classification (germline): Uncertain significance (1 of 4 stars; one submission).

Allele frequency attached by ClinVar (database versions not stated): ExAC 0.00001; gnomAD 0.00001; gnomAD exomes 0.00001; TOPMed 0.00001.
gnomAD v4.1: 8 of 1,602,252 alleles (0.0005%); highest among the groups gnomAD compares: Admixed American, 0.0034%; no homozygotes.

Submission:

GeneDx
Classification: Uncertain significance. Last evaluated: 2023-05-01. Review status: criteria provided, single submitter. Criteria: GeneDx Variant Classification Process June 2021. Collection method: clinical testing. Allele origin: germline. Affected: yes.
Comment: Not observed at significant frequency in large population cohorts (gnomAD); In silico analysis supports that this missense variant does not alter protein structure/function; Has not been previously published as pathogenic or benign to our knowledge

NM_006345.4(SLC30A9):c.638G>A (p.Arg213Lys)

Gene: SLC30A9 (solute carrier family 30 member 9; plus strand). Cytogenetic location: 4p13.
Variant type: single nucleotide variant.
Coding change: c.638G>A on transcript NM_006345.4 (MANE Select); coding-DNA position 638, G replaced by A.
Protein change: p.Arg213Lys; replaces arginine 213 with lysine.
Molecular consequence: missense variant.
Genome position (GRCh38, 1-based): chr4:42,035,302, G>A. VCF-style: chr4-42035302-G-A. GRCh37 (hg19) VCF-style: chr4-42037319-G-A.
Other names: short protein forms R213K.
Identifiers: ClinVar variation 2663048 (VCV002663048.1), dbSNP rs752882508, ClinGen allele CA2902316.
Genomic context (GRCh38, chr4:42,035,302, plus strand): 5'-CTATGACCTAAATTTATTTTGTTATTCTTACAGGGCTATTTAGAAACCAAAAAATATTAA[G>A]AGAATACAGAGATTTCTTGGGAAATACCAAGGTATGGATATCTTTGTAATAATGTGTGTG-3'
Protein context (NP_006336.3, residues 203-223): ERLFRNQKIL[Arg213Lys]EYRDFLGNTK